The following is an entry in ClinVar:

ClinVar aggregate classification (germline): Uncertain significance (1 of 4 stars; one submission).

Conditions:
Neuropathy, hereditary sensory and autonomic, type 1C. Also called: HSAN IC; HSN IC. Identifiers: Orphanet 36386, MedGen C3150896, MONDO:0013337, OMIM 613640.

Submission:

Labcorp Genetics (formerly Invitae), Labcorp
Classification: Uncertain significance for Neuropathy, hereditary sensory and autonomic, type 1C. Last evaluated: 2025-11-18. Review status: criteria provided, single submitter. Criteria: Invitae Variant Classification Sherloc (09022015). Collection method: clinical testing. Allele origin: germline.
Comment: This sequence change creates a premature translational stop signal (p.Cys438Leufs*5) in the SPTLC2 gene. It is expected to result in an absent or disrupted protein product. However, the current clinical and genetic evidence is not sufficient to establish whether loss-of-function variants in SPTLC2 cause disease. This variant is not present in population databases (gnomAD no frequency). This premature translational stop signal has been observed in individual(s) with SPTLC2-related conditions (PMID: 27549087). In summary, the available evidence is currently insufficient to determine the role of this variant in disease. Therefore, it has been classified as a Variant of Uncertain Significance.

Literature cited by the submitters: PubMed 27549087.

NM_004863.4(SPTLC2):c.1313del (p.Cys438fs)

Gene: SPTLC2 (serine palmitoyltransferase long chain base subunit 2; minus strand). Cytogenetic location: 14q24.3.
Variant type: Deletion.
Coding change: c.1313del on transcript NM_004863.4 (MANE Select); coding-DNA position 1313, one base deleted (G; older notation c.1313delG).
Protein change: p.Cys438fs; shifts the reading frame from cysteine 438.
Molecular consequence: frameshift variant.
Genome position (GRCh38, 1-based): chr14:77,521,572, C deleted on the plus strand (G on the coding strand, the reverse complement: SPTLC2 is on the minus strand). VCF-style (leftmost placement, unchanged base first): chr14-77521571-AC-A. GRCh37 (hg19) VCF-style: chr14-77987914-AC-A.
Other names: short protein forms C438fs.
Identifiers: ClinVar variation 4710146 (VCV004710146.1).
Genomic context (GRCh38, chr14:77,521,571, plus strand): 5'-GAAGCCCATCTCTTTCAGGCGTCTCCTGAAATACCTGGTGTTTTCAGCTAACTGTTGTAC[AC>A]ACTCTTTACCTGGAAAGTCACGGTGAGAGAAAACAAAATAATCCTAAGTAAAAAGGAATG-3'